The following is an entry in ClinVar:

ClinVar aggregate classification (germline): Uncertain significance (1 of 4 stars; one submission).

Submission:

GeneDx
Classification: Uncertain significance. Last evaluated: 2026-04-10. Review status: criteria provided, single submitter. Criteria: GeneDx Variant Classification Process June 2021. Collection method: clinical testing. Allele origin: germline.
Comment: Not observed at significant frequency in large population cohorts (gnomAD); In silico analysis supports that this missense variant has a deleterious effect on protein structure/function; Has not been previously published as pathogenic or benign to our knowledge

NM_006035.4(CDC42BPB):c.4109T>G (p.Ile1370Ser)

Gene: CDC42BPB (CDC42 binding protein kinase beta; minus strand). Cytogenetic location: 14q32.32.
Variant type: single nucleotide variant.
Coding change: c.4109T>G on transcript NM_006035.4 (MANE Select); coding-DNA position 4109, T replaced by G.
Protein change: p.Ile1370Ser; replaces isoleucine 1370 with serine.
Molecular consequence: missense variant.
Genome position (GRCh38, 1-based): chr14:102,944,190, A>C on the plus strand (T>G on the coding strand, the complement: CDC42BPB is on the minus strand). VCF-style: chr14-102944190-A-C. GRCh37 (hg19) VCF-style: chr14-103410527-A-C.
Other names: c.4031T>G, p.Ile1344Ser (NM_001411054.1); short protein forms I1344S, I1370S.
Identifiers: ClinVar variation 5037046 (VCV005037046.1).
Genomic context (GRCh38, chr14:102,944,190, plus strand): 5'-TAGCCCACACAGAGCCTGTCCCTGAGCACCGCCAGGCACTGCACGCTGCCGGGAGCCACA[A>C]TCTCATTGAACTTTCTGTGGAATGGCTTCGTTCTCTGGATCTCATAGCAAAGGATCAGCC-3'
Protein context (NP_006026.3, residues 1360-1380): TKPFHRKFNE[Ile1370Ser]VAPGSVQCLA